The following is an entry in ClinVar:

NM_003482.4(KMT2D):c.3292A>G (p.Met1098Val)

Gene: KMT2D (lysine methyltransferase 2D; minus strand). Cytogenetic location: 12q13.12.
Variant type: single nucleotide variant.
Coding change: c.3292A>G on transcript NM_003482.4 (MANE Select); coding-DNA position 3292, A replaced by G.
Protein change: p.Met1098Val; replaces methionine 1098 with valine.
Molecular consequence: missense variant.
Genome position (GRCh38, 1-based): chr12:49,050,296, T>C on the plus strand (A>G on the coding strand, the complement: KMT2D is on the minus strand). VCF-style: chr12-49050296-T-C. GRCh37 (hg19) VCF-style: chr12-49444079-T-C.
Other names: short protein forms M1098V.
Identifiers: ClinVar variation 2709737 (VCV002709737.5), dbSNP rs531580521, ClinGen allele CA6548084.
Genomic context (GRCh38, chr12:49,050,296, plus strand): 5'-GGCCAGAGAAGTCATCCAGGGCTGGGGCAGGGCTGGGGGCGGGGCAGGAAAGGTCCCCCA[T>C]TGGGGAAGGGAGAGGACTGGTGGCACTGGGTTCCAAGGCTGGGCATTCAGGTTCTGAAAC-3'
Protein context (NP_003473.3, residues 1088-1108): PSATSPLPSP[Met1098Val]GDLSCPAPSP

ClinVar aggregate classification (germline): Conflicting classifications of pathogenicity. Review status: criteria provided, conflicting classifications (1 of 4 stars). 3 submissions from 3 submitters: Uncertain significance (1); Benign (1); Likely benign (1). Last evaluated 2026-05-07.

Conditions:
Inborn genetic diseases. Identifiers: MedGen C0950123, MeSH D030342.
KMT2D-related disorder. Also called: KMT2D-Related Disorders.
Kabuki syndrome. Also called: NIIKAWA-KUROKI SYNDROME; Kabuki make-up syndrome. Identifiers: Orphanet 2322, MedGen C0796004, MONDO:0016512.

Allele frequency attached by ClinVar (database versions not stated): gnomAD 0.00001; TOPMed 0.00003.

Submissions (3):

PreventionGenetics, part of Exact Sciences
Classification: Uncertain significance for KMT2D-related condition. Last evaluated: 2026-05-07. Review status: criteria provided, single submitter. Criteria: ACMG Guidelines, 2015. Collection method: clinical testing. Allele origin: germline.
Comment: The KMT2D c.3292A>G variant is predicted to result in the amino acid substitution p.Met1098Val. To our knowledge, this variant has not been reported in the literature. This variant is reported in 0.0057% of alleles in individuals of East Asian descent in gnomAD. At this time, the clinical significance of this variant is uncertain due to the absence of conclusive functional and genetic evidence.

Ambry Genetics
Classification: Likely benign for Inborn genetic diseases. Last evaluated: 2026-04-15. Review status: criteria provided, single submitter. Criteria: Ambry Variant Classification Scheme 2023. Collection method: clinical testing. Allele origin: germline.

Labcorp Genetics (formerly Invitae), Labcorp
Classification: Benign for Kabuki syndrome. Last evaluated: 2024-05-02. Review status: criteria provided, single submitter. Criteria: Invitae Variant Classification Sherloc (09022015). Collection method: clinical testing. Allele origin: germline.